The following is an entry in ClinVar:

NM_022893.4(BCL11A):c.490A>G (p.Lys164Glu)

Gene: BCL11A (BCL11 transcription factor A; minus strand). Cytogenetic location: 2p16.1.
Variant type: single nucleotide variant.
Coding change: c.490A>G on transcript NM_022893.4 (MANE Select); coding-DNA position 490, A replaced by G.
Protein change: p.Lys164Glu; replaces lysine 164 with glutamic acid.
Molecular consequence: missense variant. On other transcripts: non-coding transcript variant (1).
Genome position (GRCh38, 1-based): chr2:60,462,422, T>C on the plus strand (A>G on the coding strand, the complement: BCL11A is on the minus strand). VCF-style: chr2-60462422-T-C. GRCh37 (hg19) VCF-style: chr2-60689557-T-C.
Other names: c.388A>G, p.Lys130Glu (NM_001363864.1, NM_001365609.1, NM_001405711.1 and 3 more transcripts); c.490A>G, p.Lys164Glu (NM_001405708.1, NM_001405709.1, NM_001405710.1 and 4 more transcripts); c.334A>G, p.Lys112Glu (NM_001405713.1, NM_001405714.1, NM_001405715.1 and 6 more transcripts); c.232A>G, p.Lys78Glu (NM_001405717.1, NM_001405718.1, NM_001405724.1 and 1 more transcripts); c.157A>G, p.Lys53Glu (NM_001405720.1, NM_001405721.1); c.34A>G, p.Lys12Glu (NM_001405725.1, NM_001405726.1, NM_001405727.1 and 2 more transcripts); short protein forms K112E, K12E, K130E, K164E, K53E, K78E.
Identifiers: ClinVar variation 3369468 (VCV003369468.1).

ClinVar aggregate classification (germline): Uncertain significance (1 of 4 stars; one submission).

gnomAD v4.1: 4 of 1,592,992 alleles (0.00025%); highest among the groups gnomAD compares: African/African-American, 0.0027%; no homozygotes.

Submission:

GeneDx
Classification: Uncertain significance. Last evaluated: 2024-02-19. Review status: criteria provided, single submitter. Criteria: GeneDx Variant Classification Process June 2021. Collection method: clinical testing. Allele origin: germline. Affected: yes.
Comment: Not observed at significant frequency in large population cohorts (gnomAD); In silico analysis supports that this missense variant does not alter protein structure/function; Has not been previously published as pathogenic or benign to our knowledge